The following is an entry in ClinVar:

NM_206933.4(USH2A):c.1467del (p.His490fs)

Gene: USH2A (usherin; minus strand). Cytogenetic location: 1q41.
Variant type: Deletion.
Coding change: c.1467del on transcript NM_206933.4 (MANE Select); coding-DNA position 1467, one base deleted (T; older notation c.1467delT).
Protein change: p.His490fs; shifts the reading frame from histidine 490.
Molecular consequence: frameshift variant.
Genome position (GRCh38, 1-based): chr1:216,323,557, A deleted on the plus strand (T on the coding strand, the reverse complement: USH2A is on the minus strand); the first of 4 consecutive A bases (chr1:216,323,557-216,323,560); deleting any one gives the same sequence. VCF-style (leftmost placement, unchanged base first): chr1-216323556-GA-G. GRCh37 (hg19) VCF-style: chr1-216496898-GA-G.
Other names: c.1467del, p.His490fs (NM_007123.6); c.1467delT (NM_206933.4); short protein forms H490fs.
Identifiers: ClinVar variation 1407399 (VCV001407399.10), dbSNP rs1371262635, ClinGen allele CA731445836.

ClinVar aggregate classification (germline): Pathogenic/Likely pathogenic. Review status: criteria provided, multiple submitters, no conflicts (2 of 4 stars). 4 submissions from 4 submitters: Pathogenic (2); Likely pathogenic (2). Last evaluated 2026-04-30.

Conditions:
USH2A-related disorder. Also called: USH2A-related disorders; USH2A-related condition. Identifiers: MedGen CN239332.
Usher syndrome type 2A. Also called: RETINAL DISEASE IN USHER SYNDROME TYPE IIA, MODIFIER OF; USHER SYNDROME, TYPE IIA. Identifiers: Orphanet 231178, Orphanet 886, MedGen C1848634, MONDO:0010169, OMIM 276901.

Submissions (4):

Laboratory of Molecular, Cellular and Translation Genetics in Otolaryngology/ Lim32-hcfmusp, University of Sao Paulo School of Medicine Clinics Hospital
Classification: Likely pathogenic for Usher syndrome type 2A. Last evaluated: 2026-04-30. Review status: criteria provided, single submitter. Criteria: ClinGen HL ACMG Specifications v1. Collection method: research. Allele origin: germline. Affected: yes.
Comment: NM_206933.4:c.1467delT: p.(His490Metfs*101). This variant has been classified as likely pathogenic. It is a frameshift (loss-of-function) variant in USH2A, a gene in which loss of function is an established disease mechanism (PVS1). It is absent from population databases (PM2). Although the available evidence is insufficient to establish a definitive causal role, the presence of this loss-of-function variant in a gene associated with Usher syndrome makes it a strong candidate for the observed phenotype.

Dasa
Classification: Likely pathogenic. Last evaluated: 2025-09-13. Review status: criteria provided, single submitter. Criteria: DASA Assertion Criteria. Collection method: clinical testing. Allele origin: germline.
Comment: NM_206933.4(USH2A):c.1467del (p.His490Metfs*101) is a frameshift variant in USH2A predicted to alter the reading frame and introduce a premature termination codon and is predicted to result in an absent or altered protein product. Loss of function is an established disease mechanism for USH2A-associated disorders. Also, this variant is absent from population databases. Based on the currently available evidence, this variant is classified as likely pathogenic.

Myriad Genetics, Inc.
Classification: Pathogenic for USH2A-related disorder. Last evaluated: 2025-04-19. Review status: criteria provided, single submitter. Criteria: Myriad Autosomal Dominant, Autosomal Recessive and X-Linked Classification Criteria (2023). Collection method: clinical testing. Allele origin: unknown.
Comment: NM_206933.2(USH2A):c.1467delT(H490Mfs*101) is expected to be pathogenic in the context of USH2A-related disorders. This variant is predicted to lead to an abnormal or absent protein product due to the creation of a premature termination codon in USH2A, a gene where loss-of-function variants are known to be pathogenic. Please note: this variant was assessed in the context of healthy population screening.

Labcorp Genetics (formerly Invitae), Labcorp
Classification: Pathogenic. Last evaluated: 2024-05-06. Review status: criteria provided, single submitter. Criteria: Invitae Variant Classification Sherloc (09022015). Collection method: clinical testing. Allele origin: germline.
Comment: This sequence change creates a premature translational stop signal (p.His490Metfs*101) in the USH2A gene. It is expected to result in an absent or disrupted protein product. Loss-of-function variants in USH2A are known to be pathogenic (PMID: 10729113, 10909849, 20507924, 25649381). This variant is not present in population databases (gnomAD no frequency). This variant has not been reported in the literature in individuals affected with USH2A-related conditions. ClinVar contains an entry for this variant (Variation ID: 1407399). For these reasons, this variant has been classified as Pathogenic.

Literature cited by the submitters: PubMed 42233699 (cited by Laboratory of Molecular, Cellular and Translation Genetics in Otolaryngology/ Lim32-hcfmusp, University of Sao Paulo School of Medicine Clinics Hospital); PubMed 10729113 (cited by Labcorp Genetics (formerly Invitae), Labcorp); PubMed 10909849 (cited by Labcorp Genetics (formerly Invitae), Labcorp); PubMed 20507924 (cited by Labcorp Genetics (formerly Invitae), Labcorp); PubMed 25649381 (cited by Labcorp Genetics (formerly Invitae), Labcorp).